The following is an entry in ClinVar:

NM_001376013.1(EPB41):c.520G>A (p.Glu174Lys)

Gene: EPB41 (erythrocyte membrane protein band 4.1; plus strand). Cytogenetic location: 1p35.3.
Variant type: single nucleotide variant.
Coding change: c.520G>A on transcript NM_001376013.1 (MANE Select); coding-DNA position 520, G replaced by A.
Protein change: p.Glu174Lys; replaces glutamic acid 174 with lysine.
Molecular consequence: missense variant. On other transcripts: 5 prime UTR variant (10).
Genome position (GRCh38, 1-based): chr1:28,993,381, G>A. VCF-style: chr1-28993381-G-A. GRCh37 (hg19) VCF-style: chr1-29319893-G-A.
Other names: c.520G>A, p.Glu174Lys (NM_001166005.2, NM_001166006.2, NM_001376014.1 and 8 more transcripts); c.-108G>A (NM_001166007.2, NM_001376022.1, NM_001376023.1 and 7 more transcripts); short protein forms E174K.
Identifiers: ClinVar variation 3766955 (VCV003766955.1).
Genomic context (GRCh38, chr1:28,993,381, plus strand): 5'-GATATGTAGCCTGCTCAGGAAGAACTCAGAGAAGATCCAGATTTTGAAATTAAGGAAGGA[G>A]AAGGACTTGAAGAGTGCTCCAAAATAGAAGTAAAAGAAGAAAGCCCTCAATCAAAAGCAG-3'
Protein context (NP_001362942.1, residues 164-184): EDPDFEIKEG[Glu174Lys]GLEECSKIEV

ClinVar aggregate classification (germline): Uncertain significance (1 of 4 stars; one submission).

Conditions:
Elliptocytosis 1 (EL1). Also called: 4.1- TRAIT; 4.1-MINUS TRAIT; ELLIPTOCYTOSIS, RHESUS-LINKED TYPE; PROTEIN 4.1 OF ERYTHROCYTE MEMBRANE, DEFECT OF. Identifiers: Orphanet 288, MedGen C2678497, MONDO:0012731, OMIM 611804.

gnomAD v4.1: 130 of 1,613,652 alleles (0.0081%); highest among the groups gnomAD compares: East Asian, 0.27%; no homozygotes.

Submission:

ARUP Laboratories, Molecular Genetics and Genomics, ARUP Laboratories
Classification: Uncertain significance for Elliptocytosis 1. Last evaluated: 2024-11-04. Review status: criteria provided, single submitter. Criteria: ARUP Molecular Germline Variant Investigation Process 2024. Collection method: clinical testing. Allele origin: germline.
Comment: The EPB41 c.520G>A; p.Glu174Lys variant (rs201231112), also known as c.-108G>A for NM_004437.4, is reported in the literature in one neonatal individual affected with hyperbilirubinemia and G6PD-deficiency (Lin 2022); however, additional evidence of pathogenicity was not provided and the clinical significance of p.Glu174Lys in that patientâ€™s phenotype is uncertain. This variant is found in the East Asian population with an allele frequency of 0.2% (41/19954 alleles) in the Genome Aggregation Database (v2.1.1). Computational analyses are uncertain whether this variant is neutral or deleterious (REVEL: 0.212). This variant is found in an alternate transcript of EPB41 that is expressed in whole blood (Genotype-Tissue Expression project). Due to limited information, the clinical significance of this variant is uncertain at this time. References: Lin F et al. Clinical features and genetic variations of severe neonatal hyperbilirubinemia: Five case reports. World J Clin Cases. 2022 Jul 16. PMID: 36051115